The following is an entry in ClinVar:

NM_001040108.2(MLH3):c.885G>A (p.Arg295=)

Gene: MLH3 (mutL homolog 3; minus strand). Cytogenetic location: 14q24.3.
Variant type: single nucleotide variant.
Coding change: c.885G>A on transcript NM_001040108.2 (MANE Select); coding-DNA position 885, G replaced by A.
Protein change: p.Arg295=; no amino-acid change (arginine 295 retained).
Molecular consequence: synonymous variant.
Genome position (GRCh38, 1-based): chr14:75,048,771, C>T on the plus strand (G>A on the coding strand, the complement: MLH3 is on the minus strand). VCF-style: chr14-75048771-C-T. GRCh37 (hg19) VCF-style: chr14-75515474-C-T.
Other names: c.885G>A, p.Arg295= (NM_014381.3).
Identifiers: ClinVar variation 1764915 (VCV001764915.8), dbSNP rs368352164, ClinGen allele CA7275952.

ClinVar aggregate classification (germline): Benign/Likely benign. Review status: criteria provided, multiple submitters, no conflicts (2 of 4 stars). 3 submissions from 3 submitters: Benign (1); Likely benign (2). Last evaluated 2026-09-14.

Conditions:
Colorectal cancer, hereditary nonpolyposis, type 7. Identifiers: Orphanet 144, MedGen C1858380, MONDO:0013725, OMIM 614385.

Allele frequency attached by ClinVar (database versions not stated): ESP Exome Variant Server 0.00008; gnomAD 0.00002.

Submissions (3):

Myriad Genetics, Inc.
Classification: Benign for Colorectal cancer, hereditary nonpolyposis, type 7. Last evaluated: 2026-09-14. Review status: criteria provided, single submitter. Criteria: Myriad Autosomal Dominant, Autosomal Recessive and X-Linked Classification Criteria (2023). Collection method: clinical testing. Allele origin: unknown.
Comment: This variant is considered benign. This variant is a silent/synonymous amino acid change and it is not expected to impact splicing.

Labcorp Genetics (formerly Invitae), Labcorp
Classification: Likely benign for Colorectal cancer, hereditary nonpolyposis, type 7. Last evaluated: 2022-07-25. Review status: criteria provided, single submitter. Criteria: Invitae Variant Classification Sherloc (09022015). Collection method: clinical testing. Allele origin: germline.

Ambry Genetics
Classification: Likely benign. Last evaluated: 2021-09-29. Review status: criteria provided, single submitter. Criteria: Ambry Variant Classification Scheme 2023. Collection method: clinical testing. Allele origin: germline.